The following is an entry in ClinVar:

ClinVar aggregate classification (germline): Uncertain significance (1 of 4 stars; one submission).

gnomAD v4.1: 1 of 1,203,563 alleles (0.000083%); highest among the groups gnomAD compares: Non-Finnish European, 0.00011%; no homozygotes.

Submission:

GeneDx
Classification: Uncertain significance. Last evaluated: 2023-05-24. Review status: criteria provided, single submitter. Criteria: GeneDx Variant Classification Process June 2021. Collection method: clinical testing. Allele origin: germline. Affected: yes.
Comment: Not observed at significant frequency in large population cohorts (gnomAD); In silico analysis supports that this missense variant has a deleterious effect on protein structure/function; Has not been previously published as pathogenic or benign to our knowledge

NM_201599.3(ZMYM3):c.134G>T (p.Trp45Leu)

Gene: ZMYM3 (zinc finger MYM-type containing 3; minus strand). Cytogenetic location: Xq13.1.
Variant type: single nucleotide variant.
Coding change: c.134G>T on transcript NM_201599.3 (MANE Select); coding-DNA position 134, G replaced by T.
Protein change: p.Trp45Leu; replaces tryptophan 45 with leucine.
Molecular consequence: missense variant.
Genome position (GRCh38, 1-based): chrX:71,253,122, C>A on the plus strand (G>T on the coding strand, the complement: ZMYM3 is on the minus strand). VCF-style: chrX-71253122-C-A. GRCh37 (hg19) VCF-style: chrX-70472972-C-A.
Other names: c.134G>T, p.Trp45Leu (NM_001171162.1, NM_001171163.1, NM_005096.3); short protein forms W45L.
Identifiers: ClinVar variation 3362003 (VCV003362003.1).